The following is an entry in ClinVar:

ClinVar aggregate classification (germline): Pathogenic (1 of 4 stars; one submission).

Conditions:
PEHO-like syndrome. Also called: PROGRESSIVE ENCEPHALOPATHY WITH EDEMA, HYPSARRHYTHMIA, AND OPTIC ATROPHY-LIKE SYNDROME. Identifiers: Orphanet 99807, MedGen C1850056, MONDO:0020495, OMIM 617507.

Submission:

Women's Health and Genetics/Laboratory Corporation of America, LabCorp
Classification: Pathogenic for PEHO-like syndrome. Last evaluated: 2026-06-24. Review status: criteria provided, single submitter. Criteria: LabCorp Variant Classification Summary - May 2015. Collection method: clinical testing. Allele origin: germline.
Comment: Variant summary: The variant involves the deletion of exons 13-15 in the CCDC88A gene. A presumed nomenclature of c.(1333+1_1334-1)_(2727+1_2728-1)del has been designated for the purposes of this classification. This Copy Number Variant (CNV) is expected to alter the reading frame and predicted to result in a truncation or absence of the encoded protein due to nonsense mediated decay (NMD). Loss-of-function variants in this gene are known to be pathogenic. The variant was absent in 21694 control chromosomes. To our knowledge, no occurrence of c.(1333+1_1334-1)_(2727+1_2728-1)del in individuals affected with CCDC88A-related conditions and no experimental evidence demonstrating its impact on protein function have been reported. No submitters have cited clinical-significance assessments for this variant to ClinVar. Based on the evidence outlined above, the variant was classified as pathogenic.

NC_000002.11:g.(55559830_55561229)_(55566785_55570783)del

Gene: CCDC88A (coiled-coil and HOOK domain protein 88A; minus strand). Cytogenetic location: 2p16.1.
Variant type: Deletion.
Identifiers: ClinVar variation 4887716 (VCV004887716.1).